The following is an entry in ClinVar:

NM_173354.5(SIK1):c.277A>G (p.Met93Val)

Gene: SIK1 (salt inducible kinase 1; minus strand). Cytogenetic location: 21q22.3.
Variant type: single nucleotide variant.
Coding change: c.277A>G on transcript NM_173354.5 (MANE Select); coding-DNA position 277, A replaced by G.
Protein change: p.Met93Val; replaces methionine 93 with valine.
Molecular consequence: missense variant.
Genome position (GRCh38, 1-based): chr21:43,422,034, T>C on the plus strand (A>G on the coding strand, the complement: SIK1 is on the minus strand). VCF-style: chr21-43422034-T-C. GRCh37 (hg19) VCF-style: chr21-44841914-T-C.
Other names: short protein forms M93V.
Identifiers: ClinVar variation 3637835 (VCV003637835.2).

ClinVar aggregate classification (germline): Uncertain significance (1 of 4 stars; one submission).

Conditions:
Developmental and epileptic encephalopathy, 30 (DEE30). Also called: Epileptic encephalopathy, early infantile, 30. Identifiers: MedGen C4225360, MONDO:0014595, OMIM 616341.

Submission:

Labcorp Genetics (formerly Invitae), Labcorp
Classification: Uncertain significance for Developmental and epileptic encephalopathy, 30. Last evaluated: 2024-09-09. Review status: criteria provided, single submitter. Criteria: Invitae Variant Classification Sherloc (09022015). Collection method: clinical testing. Allele origin: germline.
Comment: This sequence change replaces methionine, which is neutral and non-polar, with valine, which is neutral and non-polar, at codon 93 of the SIK1 protein (p.Met93Val). This variant is not present in population databases (gnomAD no frequency). This variant has not been reported in the literature in individuals affected with SIK1-related conditions. Invitae Evidence Modeling of protein sequence and biophysical properties (such as structural, functional, and spatial information, amino acid conservation, physicochemical variation, residue mobility, and thermodynamic stability) indicates that this missense variant is not expected to disrupt SIK1 protein function with a negative predictive value of 95%. In summary, the available evidence is currently insufficient to determine the role of this variant in disease. Therefore, it has been classified as a Variant of Uncertain Significance.